The following is an entry in ClinVar:

NM_001145026.2(PTPRQ):c.1018G>C (p.Val340Leu)

Gene: PTPRQ (protein tyrosine phosphatase receptor type Q; plus strand). Cytogenetic location: 12q21.31.
Variant type: single nucleotide variant.
Coding change: c.1018G>C on transcript NM_001145026.2 (MANE Select); coding-DNA position 1018, G replaced by C.
Protein change: p.Val340Leu; replaces valine 340 with leucine.
Molecular consequence: missense variant.
Genome position (GRCh38, 1-based): chr12:80,468,817, G>C. VCF-style: chr12-80468817-G-C. GRCh37 (hg19) VCF-style: chr12-80862596-G-C.
Other names: short protein forms V340L.
Identifiers: ClinVar variation 3253350 (VCV003253350.1), dbSNP rs1018196233.

ClinVar aggregate classification (germline): Uncertain significance (1 of 4 stars; one submission).

Allele frequency attached by ClinVar (database versions not stated): gnomAD 0.00001.
gnomAD v4.1: 19 of 1,549,406 alleles (0.0012%); highest among the groups gnomAD compares: Admixed American, 0.024%; no homozygotes.

Submission:

GeneDx
Classification: Uncertain significance. Last evaluated: 2024-06-07. Review status: criteria provided, single submitter. Criteria: GeneDx Variant Classification Process June 2021. Collection method: clinical testing. Allele origin: germline. Affected: yes.
Comment: In silico analysis supports that this missense variant has a deleterious effect on protein structure/function; Has not been previously published as pathogenic or benign to our knowledge